The following is an entry in ClinVar:

NM_022841.7(RFX7):c.1554G>T (p.Ser518=)

Gene: RFX7 (regulatory factor X7; minus strand). Cytogenetic location: 15q21.3.
Variant type: single nucleotide variant.
Coding change: c.1554G>T on transcript NM_022841.7 (MANE Select); coding-DNA position 1554, G replaced by T.
Protein change: p.Ser518=; no amino-acid change (serine 518 retained).
Molecular consequence: synonymous variant.
Genome position (GRCh38, 1-based): chr15:56,096,174, C>A on the plus strand (G>T on the coding strand, the complement: RFX7 is on the minus strand). VCF-style: chr15-56096174-C-A. GRCh37 (hg19) VCF-style: chr15-56388372-C-A.
Other names: c.1263G>T, p.Ser421= (NM_001368073.2, NM_001368074.1, NM_001370554.1); c.1554G>T, p.Ser518= (NM_001370561.1).
Identifiers: ClinVar variation 4979694 (VCV004979694.1).

ClinVar aggregate classification (germline): Likely benign (1 of 4 stars; one submission).

Conditions:
RFX7-related disorder. Also called: RFX7-related condition.

gnomAD v4.1: 38 of 1,613,748 alleles (0.0024%); highest among the groups gnomAD compares: Admixed American, 0.058%; 1 homozygote.

Submission:

PreventionGenetics, part of Exact Sciences
Classification: Likely benign for RFX7-related condition. Last evaluated: 2026-04-29. Review status: criteria provided, single submitter. Criteria: ACMG Guidelines, 2015. Collection method: clinical testing. Allele origin: germline.
Comment: This variant is classified as likely benign based on ACMG/AMP sequence variant interpretation guidelines (Richards et al. 2015 PMID: 25741868, with internal and published modifications).